The following is an entry in ClinVar:

NM_005629.4(SLC6A8):c.780C>T (p.Ile260=)

Gene: SLC6A8 (solute carrier family 6 member 8; plus strand). Cytogenetic location: Xq28.
Variant type: single nucleotide variant.
Coding change: c.780C>T on transcript NM_005629.4 (MANE Select); coding-DNA position 780, C replaced by T.
Protein change: p.Ile260=; no amino-acid change (isoleucine 260 retained).
Molecular consequence: synonymous variant.
Genome position (GRCh38, 1-based): chrX:153,693,043, C>T. VCF-style: chrX-153693043-C-T. GRCh37 (hg19) VCF-style: chrX-152958498-C-T.
Other names: c.780C>T, p.Ile260= (NM_001142805.2); c.435C>T, p.Ile145= (NM_001142806.1).
Identifiers: ClinVar variation 383165 (VCV000383165.18), dbSNP rs148232368, ClinGen allele CA10549327.
Genomic context (GRCh38, chrX:153,693,043, plus strand): 5'-GAGTGGGGGTGTGAGGGAGGTGGTGCCACAGCCTCCGCTGAGCAGCCTGGCCCCCCAGAT[C>T]GTGTACTTCACTGCTACATTCCCCTACGTGGTCCTGGTCGTGCTGCTGGTGCGTGGAGTG-3'
Protein context (NP_005620.1, residues 250-270): VWKGVKSTGK[Ile260=]VYFTATFPYV

ClinVar aggregate classification (germline): Benign/Likely benign. Review status: criteria provided, multiple submitters, no conflicts (2 of 4 stars). 6 submissions from 6 submitters: Benign (4); Likely benign (1). 1 of the submissions does not count toward it. Last evaluated 2026-01-24.

Conditions:
SLC6A8-related disorder. Also called: SLC6A8-related condition.
Inborn genetic diseases. Identifiers: MedGen C0950123, MeSH D030342.
Creatine transporter deficiency (CCDS1). Also called: Mental retardation , X-linked with seizures, short stature and midface hypoplasia; Mental retardation , X-linked, with creatine transport deficiency; X-linked creatine transporter deficiency; X-linked creatine deficiency syndrome; SLC6A8-Related Creatine Transporter Deficiency; CREATINE TRANSPORTER DEFECT. Identifiers: Orphanet 52503, MedGen C1845862, MONDO:0010305, OMIM 300352.

Allele frequency attached by ClinVar (database versions not stated): gnomAD 0.00169 and 0.00177; ESP Exome Variant Server 0.00189; TOPMed 0.00200; 1000 Genomes Project 0.00212; 1000 Genomes Project 30x 0.00271; gnomAD exomes 0.00043; ExAC 0.00050.
gnomAD v4.1: 398 of 1,209,720 alleles (0.033%); highest among the groups gnomAD compares: African/African-American, 0.58%; 1 homozygote.

Submissions (6):

Labcorp Genetics (formerly Invitae), Labcorp
Classification: Benign for Creatine transporter deficiency. Last evaluated: 2026-01-24. Review status: criteria provided, single submitter. Criteria: Invitae Variant Classification Sherloc (09022015). Collection method: clinical testing. Allele origin: germline.

Athena Diagnostics
Classification: Benign. Last evaluated: 2024-06-12. Review status: criteria provided, single submitter. Criteria: Athena Diagnostics Criteria. Collection method: clinical testing. Allele origin: unknown.

Blueprint Genetics
Classification: Likely benign. Last evaluated: 2024-03-19. Review status: criteria provided, single submitter. Criteria: ACMG Guidelines, 2015. Collection method: clinical testing. Allele origin: germline.

GeneDx
Classification: Benign. Last evaluated: 2018-02-20. Review status: criteria provided, single submitter. Criteria: GeneDx Variant Classification (06012015). Collection method: clinical testing. Allele origin: germline. Affected: yes.
Comment: This variant is considered likely benign or benign based on one or more of the following criteria: it is a conservative change, it occurs at a poorly conserved position in the protein, it is predicted to be benign by multiple in silico algorithms, and/or has population frequency not consistent with disease.

Ambry Genetics
Classification: Benign for Inborn genetic diseases. Last evaluated: 2017-07-19. Review status: criteria provided, single submitter. Criteria: Ambry Variant Classification Scheme 2023. Collection method: clinical testing. Allele origin: germline.

PreventionGenetics, part of Exact Sciences
Classification: Benign for SLC6A8-related condition. Last evaluated: 2024-08-09. Review status: no assertion criteria provided. Collection method: clinical testing. Allele origin: germline. Not counted in ClinVar's aggregate classification.
Comment: This variant is classified as benign based on ACMG/AMP sequence variant interpretation guidelines (Richards et al. 2015 PMID: 25741868, with internal and published modifications).

Literature cited by the submitters: PubMed 20717164 (cited by Athena Diagnostics); PubMed 16738945 (cited by Athena Diagnostics); PubMed 37587458 (cited by Athena Diagnostics).